The following is an entry in ClinVar:

NC_000023.11:g.71171667G>A

Gene: NLGN3 (neuroligin 3; plus strand). Cytogenetic location: Xq13.1.
Variant type: single nucleotide variant.
Genome position: GRCh38 VCF-style: chrX-71171667-G-A. GRCh37 (hg19) VCF-style: chrX-70391517-G-A.
Identifiers: ClinVar variation 2660858 (VCV002660858.24), dbSNP rs923294885, ClinGen allele CA330995678.

ClinVar aggregate classification (germline): Likely benign (1 of 4 stars; one submission).

Allele frequency attached by ClinVar (database versions not stated): gnomAD 0.00078.
gnomAD v4.1: 201 of 749,022 alleles (0.027%); highest among the groups gnomAD compares: African/African-American, 0.04%; no homozygotes.

Submission:

CeGaT Center for Human Genetics Tuebingen
Classification: Likely benign. Last evaluated: 2023-05-01. Review status: criteria provided, single submitter. Criteria: CeGaT Center For Human Genetics Tuebingen Variant Classification Criteria Version 2. Collection method: clinical testing. Allele origin: germline. Affected: yes. Observed: 2 variant alleles.
Comment: NLGN3: BS2